The following is an entry in ClinVar:

NM_004380.3(CREBBP):c.5967del (p.Thr1990fs)

Gene: CREBBP (CREB binding protein; minus strand). Cytogenetic location: 16p13.3.
Variant type: Deletion.
Coding change: c.5967del on transcript NM_004380.3 (MANE Select); coding-DNA position 5967, one base deleted (G; older notation c.5967delG).
Protein change: p.Thr1990fs; shifts the reading frame from threonine 1990.
Molecular consequence: frameshift variant.
Genome position (GRCh38, 1-based): chr16:3,729,080, C deleted on the plus strand (G on the coding strand, the reverse complement: CREBBP is on the minus strand); the first of 4 consecutive C bases (chr16:3,729,080-3,729,083); deleting any one gives the same sequence. VCF-style (leftmost placement, unchanged base first): chr16-3729079-TC-T. GRCh37 (hg19) VCF-style: chr16-3779080-TC-T.
Other names: c.5853del, p.Thr1952fs (NM_001079846.1); short protein forms T1952fs, T1990fs.
Identifiers: ClinVar variation 133936 (VCV000133936.1), dbSNP rs587778213, ClinGen allele CA158192.

ClinVar aggregate classification (germline): not provided (0 of 4 stars; one submission).

Submission:

ITMI
No classification provided. Condition: AllHighlyPenetrant. Last evaluated: 2013-09-19. Review status: no classification provided. Collection method: reference population. Allele origin: germline.
Comment: Please see associated publication for description of ethnicities

Literature cited by the submitters: PubMed 24728327.